The following is an entry in ClinVar:

NM_001276270.2(MBD4):c.457_461del (p.Ser153fs)

Gene: MBD4 (methyl-CpG binding domain 4, DNA glycosylase; minus strand). Cytogenetic location: 3q21.3.
Variant type: Microsatellite.
Coding change: c.457_461del on transcript NM_001276270.2 (MANE Select); coding-DNA positions 457 to 461, 5 bases deleted (TCAAG; older notation c.457_461delTCAAG).
Protein change: p.Ser153fs; shifts the reading frame from serine 153.
Molecular consequence: frameshift variant. On other transcripts: intron variant (1).
Genome position (GRCh38, 1-based): chr3:129,437,183-129,437,187, CTTGA deleted on the plus strand (TCAAG on the coding strand, the reverse complement: MBD4 is on the minus strand); deleting any 5 consecutive bases within chr3:129,437,183-129,437,192 gives the same sequence; the c. name uses the placement nearest the transcript's 3' end. VCF-style (leftmost placement, unchanged base first): chr3-129437182-TCTTGA-T. GRCh37 (hg19) VCF-style: chr3-129156025-TCTTGA-T.
Other names: c.457_461del, p.Ser153fs (NM_001276271.2, NM_001276272.2, NM_003925.3); c.247+621_247+625del (NM_001276273.2); c.457_461delTCAAG (NM_001276270.2); short protein forms S153fs.
Identifiers: ClinVar variation 5024045 (VCV005024045.1).
Genomic context (GRCh38, chr3:129,437,182, plus strand): 5'-TGAATTGTTACTTTGGTTTTGTAGATGGGATGTCAGGGCTGCCATGCTGCAGTCTTTATA[TCTTGA>T]CTTGATACCCCTTTTAGAAAGTACAGTAAAATCAAAATCTTCTGGCTTAAGAGAAGTCTC-3'

ClinVar aggregate classification (germline): Pathogenic (1 of 4 stars; one submission).

Conditions:
Inborn genetic diseases. Identifiers: MedGen C0950123, MeSH D030342.

Submission:

Ambry Genetics
Classification: Pathogenic for Inborn genetic diseases. Last evaluated: 2026-09-11. Review status: criteria provided, single submitter. Criteria: Ambry Variant Classification Scheme 2023. Collection method: clinical testing. Allele origin: germline.
Comment: The c.457_461delTCAAG pathogenic mutation, located in coding exon 3 of the MBD4 gene, results from a deletion of 5 nucleotides at nucleotide positions 457 to 461, causing a translational frameshift with a predicted alternate stop codon (p.S153Ifs*2). This variant is considered to be rare based on population cohorts in the Genome Aggregation Database (gnomAD). This alteration is expected to result in loss of function by premature protein truncation or nonsense-mediated mRNA decay. As such, this alteration is interpreted as a disease-causing mutation.